The following is an entry in ClinVar:

ClinVar aggregate classification (germline): Uncertain significance (1 of 4 stars; one submission).

Submission:

Mayo Clinic Laboratories, Mayo Clinic
Classification: Uncertain significance. Last evaluated: 2024-01-05. Review status: criteria provided, single submitter. Criteria: ACMG Guidelines, 2015. Collection method: clinical testing. Allele origin: germline. Observed: 1 variant allele.
Comment: PM2_moderate, PM4

NM_012254.3(SLC27A5):c.1966_1968del (p.Gly656del)

Gene: SLC27A5 (solute carrier family 27 member 5; minus strand). Cytogenetic location: 19q13.43.
Variant type: Deletion.
Coding change: c.1966_1968del on transcript NM_012254.3 (MANE Select); coding-DNA positions 1966 to 1968, 3 bases deleted (GGG; older notation c.1966_1968delGGG).
Protein change: p.Gly656del; deletes glycine 656.
Genome position (GRCh38, 1-based): chr19:58,498,620-58,498,622, CCC deleted on the plus strand (GGG on the coding strand, the reverse complement: SLC27A5 is on the minus strand); deleting any 3 consecutive bases within chr19:58,498,620-58,498,623 gives the same sequence; the c. name uses the placement nearest the transcript's 3' end. VCF-style (leftmost placement, unchanged base first): chr19-58498619-TCCC-T. GRCh37 (hg19) VCF-style: chr19-59009986-TCCC-T.
Other names: p.Gly656del; c.1714_1716del, p.Gly572del (NM_001321196.2); short protein forms G572del, G656del.
Identifiers: ClinVar variation 3380639 (VCV003380639.1).